The following is an entry in ClinVar:

NM_005896.4(IDH1):c.1166C>A (p.Ser389Tyr)

Gene: IDH1 (isocitrate dehydrogenase (NADP(+)) 1; minus strand). Cytogenetic location: 2q34.
Variant type: single nucleotide variant.
Coding change: c.1166C>A on transcript NM_005896.4 (MANE Select); coding-DNA position 1166, C replaced by A.
Protein change: p.Ser389Tyr; replaces serine 389 with tyrosine.
Molecular consequence: missense variant.
Genome position (GRCh38, 1-based): chr2:208,237,158, G>T on the plus strand (C>A on the coding strand, the complement: IDH1 is on the minus strand). VCF-style: chr2-208237158-G-T. GRCh37 (hg19) VCF-style: chr2-209101882-G-T.
Other names: c.1166C>A, p.Ser389Tyr (NM_001282386.1, NM_001282387.1); short protein forms S389Y.
Identifiers: ClinVar variation 3527507 (VCV003527507.1).

ClinVar aggregate classification (germline): Uncertain significance (1 of 4 stars; one submission).

Submission:

Ambry Genetics
Classification: Uncertain significance. Last evaluated: 2024-08-12. Review status: criteria provided, single submitter. Criteria: Ambry Variant Classification Scheme 2023. Collection method: clinical testing. Allele origin: germline.
Comment: The p.S389Y variant (also known as c.1166C>A), located in coding exon 8 of the IDH1 gene, results from a C to A substitution at nucleotide position 1166. The serine at codon 389 is replaced by tyrosine, an amino acid with dissimilar properties. This amino acid position is conserved. In addition, the in silico prediction for this alteration is inconclusive. Based on the available evidence, the clinical significance of this variant remains unclear.